The following is an entry in ClinVar:

ClinVar aggregate classification (germline): Uncertain significance. Review status: criteria provided, multiple submitters, no conflicts (2 of 4 stars). 3 submissions from 3 submitters: Uncertain significance (3). Last evaluated 2025-03-27.

Conditions:
Tuberous sclerosis syndrome (TSC). Also called: Tuberous Sclerosis Complex; Tuberous sclerosis. Identifiers: Orphanet 805, MedGen C0041341, MONDO:0001734.
Tuberous sclerosis 2 (TSC2). Identifiers: Orphanet 805, MedGen C1860707, MONDO:0013199, OMIM 613254.
Hereditary cancer-predisposing syndrome. Also called: Tumor predisposition; Hereditary neoplastic syndrome; Hereditary Cancer Syndrome; Neoplastic Syndromes, Hereditary. Identifiers: Orphanet 140162, MedGen C0027672, MeSH D009386, MONDO:0015356.

Submissions (3):

Labcorp Genetics (formerly Invitae), Labcorp
Classification: Uncertain significance for Tuberous sclerosis 2. Last evaluated: 2025-03-27. Review status: criteria provided, single submitter. Criteria: Invitae Variant Classification Sherloc (09022015). Collection method: clinical testing. Allele origin: germline.
Comment: This sequence change replaces serine, which is neutral and polar, with asparagine, which is neutral and polar, at codon 1217 of the TSC2 protein (p.Ser1217Asn). This variant is not present in population databases (gnomAD no frequency). This variant has not been reported in the literature in individuals affected with TSC2-related conditions. ClinVar contains an entry for this variant (Variation ID: 1443610). Invitae Evidence Modeling of protein sequence and biophysical properties (such as structural, functional, and spatial information, amino acid conservation, physicochemical variation, residue mobility, and thermodynamic stability) indicates that this missense variant is not expected to disrupt TSC2 protein function with a negative predictive value of 95%. In summary, the available evidence is currently insufficient to determine the role of this variant in disease. Therefore, it has been classified as a Variant of Uncertain Significance.

Ambry Genetics
Classification: Uncertain significance for Hereditary cancer-predisposing syndrome. Last evaluated: 2024-06-14. Review status: criteria provided, single submitter. Criteria: Ambry Variant Classification Scheme 2023. Collection method: clinical testing. Allele origin: germline.
Comment: The p.S1217N variant (also known as c.3650G>A), located in coding exon 30 of the TSC2 gene, results from a G to A substitution at nucleotide position 3650. The serine at codon 1217 is replaced by asparagine, an amino acid with highly similar properties. This amino acid position is conserved. In addition, the in silico prediction for this alteration is inconclusive. Based on the available evidence, the clinical significance of this variant remains unclear.

All of Us Research Program, National Institutes of Health
Classification: Uncertain significance for Tuberous sclerosis syndrome. Last evaluated: 2023-04-03. Review status: criteria provided, single submitter. Criteria: ACMG Guidelines, 2015. Collection method: clinical testing. Allele origin: germline. Inheritance: Autosomal dominant inheritance. Observed: 1 variant allele, 1 heterozygote.
Comment: This missense variant replaces serine with asparagine at codon 1217 of the TSC2 protein. Computational prediction is inconclusive regarding the impact of this variant on protein structure and function (internally defined REVEL score threshold 0.5 < inconclusive < 0.7, PMID: 27666373). To our knowledge, functional studies have not been reported for this variant. This variant has not been reported in individuals affected with tuberous sclerosis complex in the literature. This variant has not been identified in the general population by the Genome Aggregation Database (gnomAD). The available evidence is insufficient to determine the role of this variant in disease conclusively. Therefore, this variant is classified as a Variant of Uncertain Significance.

This study involves interpretation of variants in research participants for the purpose of population health screening. Participant phenotype was not available at the time of variant classification. Additional details can be found in publication PMID: 35346344, PMCID: PMC8962531

NM_000548.5(TSC2):c.3650G>A (p.Ser1217Asn)

Gene: TSC2 (TSC complex subunit 2; plus strand). Cytogenetic location: 16p13.3.
Variant type: single nucleotide variant.
Coding change: c.3650G>A on transcript NM_000548.5 (MANE Select); coding-DNA position 3650, G replaced by A.
Protein change: p.Ser1217Asn; replaces serine 1217 with asparagine.
Molecular consequence: missense variant.
Genome position (GRCh38, 1-based): chr16:2,081,634, G>A. VCF-style: chr16-2081634-G-A. GRCh37 (hg19) VCF-style: chr16-2131635-G-A.
Other names: c.3518G>A, p.Ser1173Asn (NM_001077183.3, NM_001370404.1); c.3650G>A, p.Ser1217Asn (NM_001114382.3); c.3410G>A, p.Ser1137Asn (NM_001318827.2); c.3374G>A, p.Ser1125Asn (NM_001318829.2); c.2918G>A, p.Ser973Asn (NM_001318831.2); c.3551G>A, p.Ser1184Asn (NM_001318832.2); c.3521G>A, p.Ser1174Asn (NM_001363528.2, NM_001370405.1, NM_021055.3); c.3650G>A (NM_000548.3); short protein forms S1173N, S1174N, S1217N, S1184N, S973N, S1125N, S1137N.
Identifiers: ClinVar variation 1443610 (VCV001443610.10), dbSNP rs2151481330, ClinGen allele CA394291975.